The following is an entry in ClinVar:

NM_000508.3(FGA):c.116T>A (p.Val39Asp)

Gene: FGA (fibrinogen alpha chain; minus strand). Cytogenetic location: 4q31.3.
Variant type: single nucleotide variant.
Coding change: c.116T>A on transcript NM_000508.3; coding-DNA position 116, T replaced by A.
Protein change: p.Val39Asp; replaces valine 39 with aspartic acid.
Molecular consequence: missense variant (on NM_021871.4).
Genome position (GRCh38, 1-based): chr4:154,589,501, A>T on the plus strand (T>A on the coding strand, the complement: FGA is on the minus strand). VCF-style: chr4-154589501-A-T. GRCh37 (hg19) VCF-style: chr4-155510653-A-T.
Other names: V20D; c.116T>A, p.Val39Asp (NM_000508.5, NM_021871.4, LRG_557t1); short protein forms V39D.
Identifiers: ClinVar variation 16412 (VCV000016412.3), dbSNP rs121909614, ClinGen allele CA126502.

ClinVar aggregate classification (germline): Conflicting classifications of pathogenicity. Review status: criteria provided, conflicting classifications (1 of 4 stars). 3 submissions from 3 submitters: Pathogenic (1); Uncertain significance (1). 1 of the submissions does not count toward it. Last evaluated 2025-05-02.

Conditions:
FIBRINOGEN CANTERBURY.

Allele frequency attached by ClinVar (database versions not stated): gnomAD exomes below 0.00001.
gnomAD v4.1: 5 of 1,613,886 alleles (0.00031%); highest among the groups gnomAD compares: Non-Finnish European, 0.00042%; no homozygotes.

Submissions (3):

Mayo Clinic Laboratories, Mayo Clinic
Classification: Pathogenic. Last evaluated: 2025-05-02. Review status: criteria provided, single submitter. Criteria: ACMG Guidelines, 2015. Collection method: clinical testing. Allele origin: germline. Observed: 1 variant allele.
Comment: BP4, PM2_supporting, PS3, PS4

Blueprint Genetics
Classification: Uncertain significance. Last evaluated: 2022-08-26. Review status: criteria provided, single submitter. Criteria: ACMG Guidelines, 2015. Collection method: clinical testing. Allele origin: germline.

OMIM
Classification: other for FIBRINOGEN CANTERBURY. Last evaluated: 2014-09-29. Review status: no assertion criteria provided. Collection method: literature only. Allele origin: germline. Not counted in ClinVar's aggregate classification.

Literature cited by the submitters: PubMed 23061815 (cited by Mayo Clinic Laboratories, Mayo Clinic); PubMed 8675656 (cited by Mayo Clinic Laboratories, Mayo Clinic and OMIM).